The following is an entry in ClinVar:

GRCh38/hg38 12q12(chr12:45729835-45731316)x1

Genes: ARID2 (AT-rich interaction domain 2; plus strand), LOC130007728 (ATAC-STARR-seq lymphoblastoid silent region 4376; plus strand). Cytogenetic location: 12q12.
Variant type: copy number loss.
Change: copy number 1 (one copy instead of two) of chr12:45,729,835-45,731,316 (1.5 kb, GRCh38 coordinates, 1-based), cytogenetic band 12q12.
Identifiers: ClinVar variation 3390357 (VCV003390357.2).

ClinVar aggregate classification (germline): Pathogenic (0 of 4 stars; one submission).

Conditions:
Coffin-Siris syndrome 6. Identifiers: MedGen C4540499, MONDO:0033492, OMIM 617808.

Submission:

Laboratoire de Cytogenomique, Chu Angers
Classification: Pathogenic for Coffin-Siris syndrome 6. Last evaluated: 2024-12-13. Review status: no assertion criteria provided. Collection method: clinical testing. Allele origin: paternal. Inheritance: Autosomal dominant inheritance. Affected: yes. Observed: 1 heterozygote.
Comment: Demonstration of a 1.4 kb interstitial deletion by trio exome sequencing encompassing exons 1 to 3 of ARID2 (*609539), associated with Coffin-Siris syndrome 6 (#617808). This rearrangement is absent from the population databases consulted (DGV). ARID2 is known to be haploinsufficient, with a LOEUF score of 0.22 and a pLI score of 1.00.